The following is an entry in ClinVar:

ClinVar aggregate classification (germline): Benign. Review status: criteria provided, multiple submitters, no conflicts (2 of 4 stars). 2 submissions from 2 submitters: Benign (2). Last evaluated 2018-11-12.

Conditions:
Progressive pseudorheumatoid dysplasia (PPRD). Also called: Progressive Pseudorheumatoid Arthropathy of Childhood; SPONDYLOEPIPHYSEAL DYSPLASIA TARDA WITH PROGRESSIVE ARTHROPATHY. Identifiers: Orphanet 1159, MedGen C0432215, MONDO:0008827, OMIM 208230. Disease mechanism: loss of function.

Allele frequency attached by ClinVar (database versions not stated): 1000 Genomes Project 0.23862; 1000 Genomes Project 30x 0.23954; gnomAD exomes 0.24812; gnomAD 0.25289 and 0.25539; TOPMed 0.25664.
gnomAD v4.1: 161,970 of 648,812 alleles (25%); highest among the groups gnomAD compares: East Asian, 31%; 21,179 homozygotes.

Submissions (2):

GeneDx
Classification: Benign. Last evaluated: 2018-11-12. Review status: criteria provided, single submitter. Criteria: GeneDx Variant Classification Process June 2021. Collection method: clinical testing. Allele origin: germline. Affected: yes.

Illumina Laboratory Services, Illumina
Classification: Benign for Progressive pseudorheumatoid dysplasia. Last evaluated: 2018-01-12. Review status: criteria provided, single submitter. Criteria: ICSL Variant Classification Criteria 13 December 2019. Collection method: clinical testing. Allele origin: germline.
Comment: This variant was observed in the ICSL laboratory as part of a predisposition screen in an ostensibly healthy population. It had not been previously curated by ICSL or reported in the Human Gene Mutation Database (HGMD: prior to June 1st, 2018), and was therefore a candidate for classification through an automated scoring system. Utilizing variant allele frequency, disease prevalence and penetrance estimates, and inheritance mode, an automated score was calculated to assess if this variant is too frequent to cause the disease. Based on the score and internal cut-off values, a variant classified as benign is not then subjected to further curation. The score for this variant resulted in a classification of benign for this disease.

NM_198239.2(CCN6):c.-254A>G

Gene: CCN6 (cellular communication network factor 6; plus strand). Cytogenetic location: 6q21.
Variant type: single nucleotide variant.
Coding change: c.-254A>G on transcript NM_198239.2 (MANE Select); 254 bases upstream of the start codon, A replaced by G.
Molecular consequence: 5 prime UTR variant. On other transcripts: non-coding transcript variant (2).
Genome position (GRCh38, 1-based): chr6:112,054,104, A>G. VCF-style: chr6-112054104-A-G. GRCh37 (hg19) VCF-style: chr6-112375307-A-G.
Other names: c.-81A>G (NM_003880.4).
Identifiers: ClinVar variation 355054 (VCV000355054.7), dbSNP rs3806964, ClinGen allele CA10621266.